The following is an entry in ClinVar:

ClinVar aggregate classification (germline): Benign (1 of 4 stars; one submission).

Conditions:
Familial cancer of breast. Also called: hereditary breast carcinoma; Hereditary breast cancer; BREAST CANCER, FAMILIAL. Identifiers: Orphanet 227535, MedGen C0346153, MONDO:0016419, OMIM 114480. Disease mechanism: loss of function.

Submission:

Myriad Genetics, Inc.
Classification: Benign for Familial cancer of breast. Last evaluated: 2024-08-12. Review status: criteria provided, single submitter. Criteria: Myriad Autosomal Dominant, Autosomal Recessive and X-Linked Classification Criteria (2023). Collection method: clinical testing. Allele origin: unknown.
Comment: This variant is considered benign. This variant is a silent/synonymous amino acid change and it is not expected to impact splicing.

NM_032043.3(BRIP1):c.255A>T (p.Ser85=)

Gene: BRIP1 (BRCA1 interacting DNA helicase 1; minus strand). Cytogenetic location: 17q23.2.
Variant type: single nucleotide variant.
Coding change: c.255A>T on transcript NM_032043.3 (MANE Select); coding-DNA position 255, A replaced by T.
Protein change: p.Ser85=; no amino-acid change (serine 85 retained).
Molecular consequence: synonymous variant.
Genome position (GRCh38, 1-based): chr17:61,857,182, T>A on the plus strand (A>T on the coding strand, the complement: BRIP1 is on the minus strand). VCF-style: chr17-61857182-T-A. GRCh37 (hg19) VCF-style: chr17-59934543-T-A.
Identifiers: ClinVar variation 3378978 (VCV003378978.1).